The following is an entry in ClinVar:

ClinVar aggregate classification (germline): Uncertain significance. Review status: criteria provided, multiple submitters, no conflicts (2 of 4 stars). 2 submissions from 2 submitters: Uncertain significance (2). Last evaluated 2025-04-21.

Allele frequency attached by ClinVar (database versions not stated): ExAC 0.00001; gnomAD 0.00001 and 0.00002; gnomAD exomes 0.00001.
gnomAD v4.1: 10 of 1,542,812 alleles (0.00065%); highest among the groups gnomAD compares: Non-Finnish European, 0.00079%; no homozygotes.

Submissions (2):

Labcorp Genetics (formerly Invitae), Labcorp
Classification: Uncertain significance. Last evaluated: 2025-04-21. Review status: criteria provided, single submitter. Criteria: Invitae Variant Classification Sherloc (09022015). Collection method: clinical testing. Allele origin: germline.
Comment: This sequence change replaces threonine, which is neutral and polar, with methionine, which is neutral and non-polar, at codon 209 of the AGBL5 protein (p.Thr209Met). This variant is present in population databases (rs760138006, gnomAD 0.006%). This missense change has been observed in individual(s) with clinical features of retinitis pigmentosa (internal data). ClinVar contains an entry for this variant (Variation ID: 1521870). An algorithm developed to predict the effect of missense changes on protein structure and function (PolyPhen-2) suggests that this variant is likely to be disruptive. In summary, the available evidence is currently insufficient to determine the role of this variant in disease. Therefore, it has been classified as a Variant of Uncertain Significance.

CeGaT Center for Human Genetics Tuebingen
Classification: Uncertain significance. Last evaluated: 2024-02-01. Review status: criteria provided, single submitter. Criteria: CeGaT Center For Human Genetics Tuebingen Variant Classification Criteria Version 2. Collection method: clinical testing. Allele origin: germline. Affected: yes. Observed: 1 variant allele.
Comment: AGBL5: PM2, PM3:Supporting

NM_021831.6(AGBL5):c.626C>T (p.Thr209Met)

Gene: AGBL5 (AGBL carboxypeptidase 5; plus strand). Cytogenetic location: 2p23.3.
Variant type: single nucleotide variant.
Coding change: c.626C>T on transcript NM_021831.6 (MANE Select); coding-DNA position 626, C replaced by T.
Protein change: p.Thr209Met; replaces threonine 209 with methionine.
Molecular consequence: missense variant. On other transcripts: non-coding transcript variant (2).
Genome position (GRCh38, 1-based): chr2:27,054,704, C>T. VCF-style: chr2-27054704-C-T. GRCh37 (hg19) VCF-style: chr2-27277572-C-T.
Other names: c.626C>T, p.Thr209Met (NM_001035507.3); short protein forms T209M.
Identifiers: ClinVar variation 1521870 (VCV001521870.30), dbSNP rs760138006, ClinGen allele CA1567687.